The following is an entry in ClinVar:

NM_006767.4(LZTR1):c.2140G>A (p.Val714Met)

Gene: LZTR1 (leucine zipper like post translational regulator 1; plus strand). Cytogenetic location: 22q11.21.
Variant type: single nucleotide variant.
Coding change: c.2140G>A on transcript NM_006767.4 (MANE Select); coding-DNA position 2140, G replaced by A.
Protein change: p.Val714Met; replaces valine 714 with methionine.
Molecular consequence: missense variant.
Genome position (GRCh38, 1-based): chr22:20,996,033, G>A. VCF-style: chr22-20996033-G-A. GRCh37 (hg19) VCF-style: chr22-21350322-G-A.
Other names: c.2140G>A (NM_006767.3); short protein forms V714M.
Identifiers: ClinVar variation 2705993 (VCV002705993.4), dbSNP rs2518624578, ClinGen allele CA410779542.

ClinVar aggregate classification (germline): Uncertain significance. Review status: criteria provided, multiple submitters, no conflicts (2 of 4 stars). 2 submissions from 2 submitters: Uncertain significance (2). Last evaluated 2025-09-19.

Conditions:
Cardiovascular phenotype. Identifiers: MedGen CN230736.
Hereditary cancer-predisposing syndrome. Also called: Hereditary neoplastic syndrome; Neoplastic Syndromes, Hereditary; Hereditary Cancer Syndrome; Tumor predisposition. Identifiers: Orphanet 140162, MedGen C0027672, MeSH D009386, MONDO:0015356.

Submissions (2):

Labcorp Genetics (formerly Invitae), Labcorp
Classification: Uncertain significance. Last evaluated: 2025-09-19. Review status: criteria provided, single submitter. Criteria: Invitae Variant Classification Sherloc (09022015). Collection method: clinical testing. Allele origin: germline.
Comment: This sequence change replaces valine, which is neutral and non-polar, with methionine, which is neutral and non-polar, at codon 714 of the LZTR1 protein (p.Val714Met). This variant is not present in population databases (gnomAD no frequency). This variant has not been reported in the literature in individuals affected with LZTR1-related conditions. ClinVar contains an entry for this variant (Variation ID: 2705993). Invitae Evidence Modeling of protein sequence and biophysical properties (such as structural, functional, and spatial information, amino acid conservation, physicochemical variation, residue mobility, and thermodynamic stability) indicates that this missense variant is not expected to disrupt LZTR1 protein function with a negative predictive value of 80%. In summary, the available evidence is currently insufficient to determine the role of this variant in disease. Therefore, it has been classified as a Variant of Uncertain Significance.

Ambry Genetics
Classification: Uncertain significance for Cardiovascular phenotype; Hereditary cancer-predisposing syndrome. Last evaluated: 2025-09-04. Review status: criteria provided, single submitter. Criteria: Ambry Variant Classification Scheme 2023. Collection method: clinical testing. Allele origin: germline.
Comment: The p.V714M variant (also known as c.2140G>A), located in coding exon 18 of the LZTR1 gene, results from a G to A substitution at nucleotide position 2140. The valine at codon 714 is replaced by methionine, an amino acid with highly similar properties. This amino acid position is conserved. In addition, the in silico prediction for this alteration is inconclusive. Based on the available evidence, the clinical significance of this variant remains unclear.